The following is an entry in ClinVar:

ClinVar aggregate classification (germline): Uncertain significance (1 of 4 stars; one submission).

Allele frequency attached by ClinVar (database versions not stated): gnomAD exomes 0.00001 and 0.00002; TOPMed 0.00001; ExAC 0.00002.
gnomAD v4.1: 15 of 1,613,896 alleles (0.00093%); highest among the groups gnomAD compares: East Asian, 0.011%; no homozygotes.

Submission:

GeneDx
Classification: Uncertain significance. Last evaluated: 2021-06-29. Review status: criteria provided, single submitter. Criteria: GeneDx Variant Classification Process June 2021. Collection method: clinical testing. Allele origin: germline. Affected: yes.
Comment: Not observed at significant frequency in large population cohorts (Lek et al., 2016); In silico analysis supports that this missense variant does not alter protein structure/function; Has not been previously published as pathogenic or benign to our knowledge; This variant is associated with the following publications: (PMID: 27535533)

NM_001379180.1(ESRRB):c.*2238G>A

Gene: ESRRB (estrogen related receptor beta; plus strand). Cytogenetic location: 14q24.3.
Variant type: single nucleotide variant.
Coding change: c.*2238G>A on transcript NM_001379180.1 (MANE Select); 2238 bases downstream of the stop codon, G replaced by A.
Molecular consequence: 3 prime UTR variant. On other transcripts: missense variant (1).
Genome position (GRCh38, 1-based): chr14:76,500,696, G>A. VCF-style: chr14-76500696-G-A. GRCh37 (hg19) VCF-style: chr14-76967039-G-A.
Other names: c.1502G>A, p.Gly501Glu (NM_004452.4); short protein forms G501E.
Identifiers: ClinVar variation 1331331 (VCV001331331.2), dbSNP rs745587744, ClinGen allele CA7281926.